The following is an entry in ClinVar:

ClinVar aggregate classification (germline): Uncertain significance. Review status: criteria provided, multiple submitters, no conflicts (2 of 4 stars). 2 submissions from 2 submitters: Uncertain significance (2). Last evaluated 2025-11-10.

Conditions:
Inborn genetic diseases. Identifiers: MedGen C0950123, MeSH D030342.

Allele frequency attached by ClinVar (database versions not stated): ExAC 0.00004; gnomAD 0.00004; 1000 Genomes Project 0.00040; TOPMed 0.00004; 1000 Genomes Project 30x 0.00031.
gnomAD v4.1: 58 of 1,614,054 alleles (0.0036%); highest among the groups gnomAD compares: South Asian, 0.015%; no homozygotes.

Submissions (2):

Labcorp Genetics (formerly Invitae), Labcorp
Classification: Uncertain significance. Last evaluated: 2025-11-10. Review status: criteria provided, single submitter. Criteria: Invitae Variant Classification Sherloc (09022015). Collection method: clinical testing. Allele origin: germline.
Comment: This sequence change replaces asparagine, which is neutral and polar, with serine, which is neutral and polar, at codon 691 of the NCSTN protein (p.Asn691Ser). This variant is present in population databases (rs115296790, gnomAD 0.02%). This variant has not been reported in the literature in individuals affected with NCSTN-related conditions. ClinVar contains an entry for this variant (Variation ID: 2159702). Invitae Evidence Modeling of protein sequence and biophysical properties (such as structural, functional, and spatial information, amino acid conservation, physicochemical variation, residue mobility, and thermodynamic stability) indicates that this missense variant is not expected to disrupt NCSTN protein function with a negative predictive value of 80%. In summary, the available evidence is currently insufficient to determine the role of this variant in disease. Therefore, it has been classified as a Variant of Uncertain Significance.

Ambry Genetics
Classification: Uncertain significance for Inborn genetic diseases. Last evaluated: 2025-04-12. Review status: criteria provided, single submitter. Criteria: Ambry Variant Classification Scheme 2023. Collection method: clinical testing. Allele origin: germline.

NM_015331.3(NCSTN):c.2072A>G (p.Asn691Ser)

Gene: NCSTN (nicastrin; plus strand). Cytogenetic location: 1q23.2.
Variant type: single nucleotide variant.
Coding change: c.2072A>G on transcript NM_015331.3 (MANE Select); coding-DNA position 2072, A replaced by G.
Protein change: p.Asn691Ser; replaces asparagine 691 with serine.
Molecular consequence: missense variant.
Genome position (GRCh38, 1-based): chr1:160,358,213, A>G. VCF-style: chr1-160358213-A-G. GRCh37 (hg19) VCF-style: chr1-160328003-A-G.
Other names: c.2012A>G, p.Asn671Ser (NM_001290184.2); c.1658A>G, p.Asn553Ser (NM_001290186.2); c.1859A>G, p.Asn620Ser (NM_001349729.2); c.2072A>G (NM_015331.2); short protein forms N671S, N553S, N691S, N620S.
Identifiers: ClinVar variation 2159702 (VCV002159702.5), dbSNP rs115296790, ClinGen allele CA1199173.